The following is an entry in ClinVar:

NM_001170629.2(CHD8):c.349T>C (p.Ser117Pro)

Gene: CHD8 (chromodomain helicase DNA binding protein 8; minus strand). Cytogenetic location: 14q11.2.
Variant type: single nucleotide variant.
Coding change: c.349T>C on transcript NM_001170629.2 (MANE Select); coding-DNA position 349, T replaced by C.
Protein change: p.Ser117Pro; replaces serine 117 with proline.
Molecular consequence: missense variant. On other transcripts: intron variant (1).
Genome position (GRCh38, 1-based): chr14:21,431,295, A>G on the plus strand (T>C on the coding strand, the complement: CHD8 is on the minus strand). VCF-style: chr14-21431295-A-G. GRCh37 (hg19) VCF-style: chr14-21899454-A-G.
Other names: c.6+516T>C (NM_020920.4); short protein forms S117P.
Identifiers: ClinVar variation 2957032 (VCV002957032.4), dbSNP rs990945033, ClinGen allele CA257558551.

ClinVar aggregate classification (germline): Conflicting classifications of pathogenicity. Review status: criteria provided, conflicting classifications (1 of 4 stars). 2 submissions from 2 submitters: Uncertain significance (1); Likely benign (1). Last evaluated 2026-04-24.

Conditions:
Intellectual developmental disorder with autism and macrocephaly. Also called: Autism, susceptibility to, 18; CHD8-Related Neurodevelopmental Disorder with Overgrowth. Identifiers: Orphanet 642675, MedGen C3554373, MONDO:0014017, OMIM 615032.

Allele frequency attached by ClinVar (database versions not stated): gnomAD 0.00001; gnomAD exomes 0.00001; TOPMed 0.00002.
gnomAD v4.1: 4 of 1,568,182 alleles (0.00026%); highest among the groups gnomAD compares: Admixed American, 0.0055%; no homozygotes.

Submissions (2):

Clinical Genomics Laboratory, Washington University in St. Louis
Classification: Uncertain significance for Intellectual developmental disorder with autism and macrocephaly. Last evaluated: 2026-04-24. Review status: criteria provided, single submitter. Criteria: ACMG Guidelines, 2015. Collection method: clinical testing. Allele origin: germline.
Comment: The CHD8 c.349T>C (p.Ser117Pro) variant, to our knowledge, has not been reported in the medical literature but has been reported in the ClinVar database as a germline likely benign variant by one submitter without additional information. This variant is only observed on 3/180022 alleles in the general population (gnomAD v2.1.1), indicating it is not a common variant. Computational predictors suggest that the variant does not impact CHD8 function. Due to limited information, and based on ACMG/AMP guidelines for variant interpretation (Richards S et al., PMID: 25741868), the clinical significance of this variant is uncertain at this time.

Labcorp Genetics (formerly Invitae), Labcorp
Classification: Likely benign. Last evaluated: 2025-09-02. Review status: criteria provided, single submitter. Criteria: Invitae Variant Classification Sherloc (09022015). Collection method: clinical testing. Allele origin: germline.